The following is an entry in ClinVar:

NM_017686.4(GDAP2):c.915A>G (p.Gln305=)

Gene: GDAP2 (ganglioside induced differentiation associated protein 2; minus strand). Cytogenetic location: 1p12.
Variant type: single nucleotide variant.
Coding change: c.915A>G on transcript NM_017686.4 (MANE Select); coding-DNA position 915, A replaced by G.
Protein change: p.Gln305=; no amino-acid change (glutamine 305 retained).
Molecular consequence: synonymous variant.
Genome position (GRCh38, 1-based): chr1:117,896,871, T>C on the plus strand (A>G on the coding strand, the complement: GDAP2 is on the minus strand). VCF-style: chr1-117896871-T-C. GRCh37 (hg19) VCF-style: chr1-118439493-T-C.
Other names: p.Gln305=; c.915A>G, p.Gln305= (NM_001135589.3).
Identifiers: ClinVar variation 4683406 (VCV004683406.1).
Genomic context (GRCh38, chr1:117,896,871, plus strand): 5'-CAGTCCTGAAGGGTTGTCTTACTTTCTTTGATGCTGCTTCTGCAGAGCTGCCTCTGATAA[T>C]TGTCCCTGAAGGATCAGTTTTCTTTGCTTGTCAATATCTCCTTCCATTCGAGCAAAAGCA-3'
Protein context (NP_060156.1, residues 295-315): DKQRKLILQG[Gln305=]LSEAALQKQH

ClinVar aggregate classification (germline): Likely benign (1 of 4 stars; one submission).

gnomAD v4.1: 19 of 1,613,194 alleles (0.0012%); highest among the groups gnomAD compares: African/African-American, 0.012%; no homozygotes.

Submission:

Mayo Clinic Laboratories, Mayo Clinic
Classification: Likely benign. Last evaluated: 2025-01-06. Review status: criteria provided, single submitter. Criteria: ACMG Guidelines, 2015. Collection method: clinical testing. Allele origin: germline. Observed: 1 variant allele.
Comment: BP4, BP7